The following is an entry in ClinVar:

ClinVar aggregate classification (germline): Likely pathogenic (1 of 4 stars; one submission).

Conditions:
Primary dilated cardiomyopathy (DCM). Also called: Dilated Cardiomyopathy. Identifiers: Orphanet 217604, MedGen C0007193, MeSH D002311, MONDO:0005021, HP:0001644. Inheritance: Various modes of inheritance.

Submission:

Cardiovascular Biomedical Research Unit, Royal Brompton & Harefield NHS Foundation Trust
Classification: Likely pathogenic for Primary dilated cardiomyopathy. Last evaluated: 2014-10-08. Review status: criteria provided, single submitter. Criteria: Roberts et al. 2015. Collection method: research. Allele origin: germline. Inheritance: Autosomal dominant inheritance. Affected: yes. Observed: 1 variant allele. Study: Endstage DCM.
Comment: In the seven cohorts assessed, TTNtv were found in 14% of ambulant DCM, 22% end-stage or familial DCM, and 2% controls. Heterozygous nonsense, frameshift and canonical splice-disrupting variants found in constitutive and other highly utilised exons are highly likely to be pathogenic when identified in individuals with phenotypically confirmed DCM. TTNtv found incidentally in healthy individuals (excluding familial assessment of DCM relatives) are thought to have low penetrance, particularly when identified in exons that are not constitutively expressed in the heart.

NM_001267550.2(TTN):c.94562dup (p.Thr31522fs)

Genes: TTN (titin; minus strand), TTN-AS1 (TTN antisense RNA 1; plus strand). Cytogenetic location: 2q31.2.
Variant type: Duplication.
Coding change: c.94562dup on transcript NM_001267550.2 (MANE Select); coding-DNA position 94562, one base duplicated (C; older notation c.94562dupC).
Protein change: p.Thr31522fs; shifts the reading frame from threonine 31522.
Molecular consequence: frameshift variant.
Genome position (GRCh38, 1-based): chr2:178,546,866, G duplicated on the plus strand (C on the coding strand, the reverse complement: TTN is on the minus strand). VCF-style (leftmost placement, unchanged base first): chr2-178546865-T-TG. GRCh37 (hg19) VCF-style: chr2-179411592-T-TG.
Other names: c.89639dup, p.Thr29881fs (NM_001256850.1); c.67367dup, p.Thr22457fs (NM_003319.4); c.86858dup, p.Thr28954fs (NM_133378.4); c.67742dup, p.Thr22582fs (NM_133432.3); c.67943dup, p.Thr22649fs (NM_133437.4); c.94562dupC (LRG_391t1); short protein forms T22457fs, T22582fs, T29881fs, T22649fs, T31522fs, T28954fs.
Identifiers: ClinVar variation 223327 (VCV000223327.1), dbSNP rs869312083, ClinGen allele CA353126.
Genomic context (GRCh38, chr2:178,546,865, plus strand): 5'-GTAGCCCACAACCTTGCTGCCTCCATCATACGCTGGGGCAGACCAAATCAGTGATACTGT[T>TG]GATCTTGTGACATCTGTCACCTCTGGTCTGCCTGGTGCATCTGGAAGGGATGCAAAAATA-3'